The following is an entry in ClinVar:

NM_000127.3(EXT1):c.579del (p.Phe193fs)

Gene: EXT1 (exostosin glycosyltransferase 1; minus strand). Cytogenetic location: 8q24.11.
Variant type: Deletion.
Coding change: c.579del on transcript NM_000127.3 (MANE Select); coding-DNA position 579, one base deleted (T; older notation c.579delT).
Protein change: p.Phe193fs; shifts the reading frame from phenylalanine 193.
Molecular consequence: frameshift variant.
Genome position (GRCh38, 1-based): chr8:118,110,468, A deleted on the plus strand (T on the coding strand, the reverse complement: EXT1 is on the minus strand); the first of 5 consecutive A bases (chr8:118,110,468-118,110,472); deleting any one gives the same sequence. VCF-style (leftmost placement, unchanged base first): chr8-118110467-TA-T. GRCh37 (hg19) VCF-style: chr8-119122706-TA-T.
Other names: short protein forms F193fs.
Identifiers: ClinVar variation 4888307 (VCV004888307.1).
Genomic context (GRCh38, chr8:118,110,467, plus strand): 5'-CCTGGCCGATGTCAAACCCCACGTCCTCGGTGTAGTCAGGCCAAGTGCCGGAATATAAAT[TA>T]AAAATTAAATGATTCCTACCATTGTTCCACAAGTGGAGACTCTGCACTTTGGATCTCAAA-3'

ClinVar aggregate classification (germline): Likely pathogenic (1 of 4 stars; one submission).

Conditions:
Exostoses, multiple, type 1 (EXT1). Also called: Hereditary Multiple Osteochondromatosis, Type I; EXOSTOSES, MULTIPLE, TYPE I. Identifiers: MedGen CN263289, MONDO:0007585, OMIM 133700.

Submission:

Department of Human Genetics, Hannover Medical School
Classification: Likely pathogenic for Exostoses, multiple, type 1. Last evaluated: 2026-09-10. Review status: criteria provided, single submitter. Criteria: ACMG Guidelines, 2015. Collection method: clinical testing. Allele origin: germline. Affected: yes.
Comment: PVS1, PM2_Supporting